The following is an entry in ClinVar:

ClinVar aggregate classification (germline): Uncertain significance. Review status: criteria provided, multiple submitters, no conflicts (2 of 4 stars). 6 submissions from 6 submitters: Uncertain significance (6). Last evaluated 2025-08-07.

Conditions:
Epidermolysis bullosa simplex 5C, with pyloric atresia (EBS5C). Also called: PLEC-Related Epidermolysis Bullosa with Pyloric Atresia; Epidermolysis bullosa simplex with pyloric atresia; PLEC1-Related Epidermolysis Bullosa with Pyloric Atresia. Identifiers: Orphanet 158684, MedGen C2677349, MONDO:0012807, OMIM 612138.
Epidermolysis bullosa simplex 5B, with muscular dystrophy (EBS5B). Also called: EPIDERMOLYSIS BULLOSA SIMPLEX AND LIMB-GIRDLE MUSCULAR DYSTROPHY; Epidermolysis bullosa simplex with muscular dystrophy. Identifiers: Orphanet 257, MedGen C2931072, MONDO:0009181, OMIM 226670.
Autosomal recessive limb-girdle muscular dystrophy type 2Q (LGMDR17). Also called: MUSCULAR DYSTROPHY, LIMB-GIRDLE, AUTOSOMAL RECESSIVE 17. Identifiers: Orphanet 254361, MedGen C3150989, MONDO:0013390, OMIM 613723.
Epidermolysis bullosa simplex with nail dystrophy (EBS5D). Identifiers: MedGen C4225309, MONDO:0014661, OMIM 616487.
Epidermolysis bullosa simplex, Ogna type (EBS5A). Also called: Pidermolysis bullosa simplex 5A, Ogna type; EPIDERMOLYSIS BULLOSA SIMPLEX 5A, OGNA TYPE. Identifiers: Orphanet 79401, MedGen C0432317, MONDO:0007555, OMIM 131950.
Junctional epidermolysis bullosa with pyloric atresia. Also called: EPIDERMOLYSIS BULLOSA, JUNCTIONAL 5B, WITH PYLORIC ATRESIA; Junctional Epidermolysis Bullosa- Pyloric Atresia Syndrome; ITGB4-Related Epidermolysis Bullosa with Pyloric Atresia; Epidermolysis bullosa, junctional, with pyloric atresia and aplasia cutis congenita; Epidermolysis bullosa junctionalis with pyloric atresia; APLASIA CUTIS CONGENITA WITH GASTROINTESTINAL ATRESIA. Identifiers: Orphanet 79403, MedGen C5676875, MONDO:0009183, OMIM 226730.

Allele frequency attached by ClinVar (database versions not stated): gnomAD 0.00003; TOPMed 0.00003; gnomAD exomes 0.00006 and 0.00009; ExAC 0.00007; ESP Exome Variant Server 0.00008; 1000 Genomes Project 30x 0.00016; 1000 Genomes Project 0.00020.
gnomAD v4.1: 99 of 1,611,208 alleles (0.0061%); highest among the groups gnomAD compares: East Asian, 0.038%; no homozygotes.

Submissions (6):

Labcorp Genetics (formerly Invitae), Labcorp
Classification: Uncertain significance for Autosomal recessive limb-girdle muscular dystrophy type 2Q; Epidermolysis bullosa simplex, Ogna type; Epidermolysis bullosa simplex with nail dystrophy; Epidermolysis bullosa simplex 5C, with pyloric atresia; Epidermolysis bullosa simplex 5B, with muscular dystrophy. Last evaluated: 2025-08-07. Review status: criteria provided, single submitter. Criteria: Invitae Variant Classification Sherloc (09022015). Collection method: clinical testing. Allele origin: germline.
Comment: This sequence change replaces arginine, which is basic and polar, with glutamine, which is neutral and polar, at codon 3628 of the PLEC protein (p.Arg3628Gln). This variant is present in population databases (rs369570610, gnomAD 0.08%). This missense change has been observed in individual(s) with congenital heart disease (PMID: 30293987). ClinVar contains an entry for this variant (Variation ID: 501448). An algorithm developed to predict the effect of missense changes on protein structure and function (PolyPhen-2) suggests that this variant is likely to be disruptive. In summary, the available evidence is currently insufficient to determine the role of this variant in disease. Therefore, it has been classified as a Variant of Uncertain Significance.

Women's Health and Genetics/Laboratory Corporation of America, LabCorp
Classification: Uncertain significance. Last evaluated: 2024-01-03. Review status: criteria provided, single submitter. Criteria: LabCorp Variant Classification Summary - May 2015. Collection method: clinical testing. Allele origin: germline.
Comment: Variant summary: PLEC1 c.10883G>A (p.Arg3628Gln) results in a conservative amino acid change in the encoded protein sequence. Four of five in-silico tools predict a damaging effect of the variant on protein function. The variant allele was found at a frequency of 9.3e-05 in 246974 control chromosomes. c.10883G>A has been reported in the literature in individuals affected with Congenital Heart Disease (Alankarage_2019). These report(s) do not provide unequivocal conclusions about association of the variant with PLEC1-Related Disorders. To our knowledge, no experimental evidence demonstrating an impact on protein function has been reported. The following publication have been ascertained in the context of this evaluation (PMID: 30293987). Four submitters have cited clinical-significance assessments for this variant to ClinVar after 2014. All submitters classified the variant as uncertain significance. Based on the evidence outlined above, the variant was classified as uncertain significance.

Revvity Omics, Revvity
Classification: Uncertain significance. Last evaluated: 2023-08-11. Review status: criteria provided, single submitter. Criteria: ACMG Guidelines, 2015. Collection method: clinical testing. Allele origin: germline.

CeGaT Center for Human Genetics Tuebingen
Classification: Uncertain significance. Last evaluated: 2022-05-01. Review status: criteria provided, single submitter. Criteria: CeGaT Center For Human Genetics Tuebingen Variant Classification Criteria Version 2. Collection method: clinical testing. Allele origin: germline. Affected: yes. Observed: 1 variant allele.

Fulgent Genetics
Classification: Uncertain significance for Epidermolysis bullosa simplex, Ogna type; Epidermolysis bullosa simplex 5B, with muscular dystrophy; Junctional epidermolysis bullosa with pyloric atresia; Epidermolysis bullosa simplex 5C, with pyloric atresia; Autosomal recessive limb-girdle muscular dystrophy type 2Q; Epidermolysis bullosa simplex with nail dystrophy. Last evaluated: 2021-07-07. Review status: criteria provided, single submitter. Criteria: ACMG Guidelines, 2015. Collection method: clinical testing. Allele origin: unknown.

Eurofins Ntd Llc (ga)
Classification: Uncertain significance. Last evaluated: 2017-04-14. Review status: criteria provided, single submitter. Criteria: EGL Classification Definitions 2015. Collection method: clinical testing. Allele origin: germline. Observed: 1 variant allele, 1 heterozygote.

Literature cited by the submitters: PubMed 30293987 (cited by Labcorp Genetics (formerly Invitae), Labcorp and Women's Health and Genetics/Laboratory Corporation of America, LabCorp).

NM_201384.3(PLEC):c.10802G>A (p.Arg3601Gln)

Gene: PLEC (plectin; minus strand). Cytogenetic location: 8q24.3.
Variant type: single nucleotide variant.
Coding change: c.10802G>A on transcript NM_201384.3 (MANE Select); coding-DNA position 10802, G replaced by A.
Protein change: p.Arg3601Gln; replaces arginine 3601 with glutamine.
Molecular consequence: missense variant.
Genome position (GRCh38, 1-based): chr8:143,919,019, C>T on the plus strand (G>A on the coding strand, the complement: PLEC is on the minus strand). VCF-style: chr8-143919019-C-T. GRCh37 (hg19) VCF-style: chr8-144993187-C-T.
Other names: c.10883G>A, p.Arg3628Gln (NM_000445.5); c.10760G>A, p.Arg3587Gln (NM_201378.4); c.10736G>A, p.Arg3579Gln (NM_201379.3); c.11213G>A, p.Arg3738Gln (NM_201380.4); c.10706G>A, p.Arg3569Gln (NM_201381.3); c.10802G>A, p.Arg3601Gln (NM_201382.4); c.10814G>A, p.Arg3605Gln (NM_201383.3); short protein forms R3569Q, R3579Q, R3587Q, R3601Q, R3605Q, R3628Q, R3738Q.
Identifiers: ClinVar variation 501448 (VCV000501448.47), dbSNP rs369570610, ClinGen allele CA4924528.